The following is an entry in ClinVar:

NM_000059.4(BRCA2):c.6841+5G>C

Gene: BRCA2 (BRCA2 DNA repair associated; plus strand). Cytogenetic location: 13q13.1.
Variant type: single nucleotide variant.
Coding change: c.6841+5G>C on transcript NM_000059.4 (MANE Select); 5 bases into the intron after coding-DNA position 6841, G replaced by C.
Molecular consequence: intron variant.
Genome position (GRCh38, 1-based): chr13:32,341,201, G>C. VCF-style: chr13-32341201-G-C. GRCh37 (hg19) VCF-style: chr13-32915338-G-C.
Identifiers: ClinVar variation 1755737 (VCV001755737.3), dbSNP rs2137531122, ClinGen allele CA2580088067.
Genomic context (GRCh38, chr13:32,341,201, plus strand): 5'-GGTTTTGTCAAATTCAAGAATTGGAAAAAGAAGAGGAGAGCCCCTTATCTTAGTGGGTAA[G>C]TGTTCATTTTTACCTTTCGTGTTGCCAATCACTATTTTTAAAGTGTTTATTCAGTAGACT-3'

ClinVar aggregate classification (germline): Uncertain significance (1 of 4 stars; one submission).

Conditions:
Hereditary cancer-predisposing syndrome. Also called: Neoplastic Syndromes, Hereditary; Tumor predisposition; Hereditary Cancer Syndrome; Hereditary neoplastic syndrome. Identifiers: Orphanet 140162, MedGen C0027672, MeSH D009386, MONDO:0015356.

Submission:

Ambry Genetics
Classification: Uncertain significance for Hereditary cancer-predisposing syndrome. Last evaluated: 2023-01-04. Review status: criteria provided, single submitter. Criteria: Ambry Variant Classification Scheme 2023. Collection method: clinical testing. Allele origin: germline.
Comment: The c.6841+5G>C intronic variant results from a G to C substitution 5 nucleotides after coding exon 10 in the BRCA2 gene. This nucleotide position is highly conserved in available vertebrate species. In silico splice site analysis predicts that this alteration will weaken the native splice donor site and may result in the creation or strengthening of a novel splice donor site. RNA studies have demonstrated that this alteration results in an incomplete splice defect; the clinical impact of this abnormal splicing is unknown at this time (Ambry internal data). Since supporting evidence is limited at this time, the clinical significance of this alteration remains unclear.